The following is an entry in ClinVar:

ClinVar aggregate classification (germline): Uncertain significance. Review status: criteria provided, multiple submitters, no conflicts (2 of 4 stars). 3 submissions from 3 submitters: Uncertain significance (3). Last evaluated 2025-01-24.

Conditions:
Inborn genetic diseases. Identifiers: MedGen C0950123, MeSH D030342.
Hemolytic anemia due to glucophosphate isomerase deficiency (CNSHA4). Also called: ANEMIA, CONGENITAL, NONSPHEROCYTIC HEMOLYTIC, 4. Identifiers: Orphanet 712, MedGen C0272064, MONDO:0013275, OMIM 613470.
GPI-related disorder. Also called: GPI-related condition.

Allele frequency attached by ClinVar (database versions not stated): gnomAD exomes 0.00002; gnomAD 0.00005; TOPMed 0.00005; ExAC 0.00002.
gnomAD v4.1: 44 of 1,613,930 alleles (0.0027%); highest among the groups gnomAD compares: Non-Finnish European, 0.0036%; no homozygotes.

Submissions (3):

Ambry Genetics
Classification: Uncertain significance for Inborn genetic diseases. Last evaluated: 2025-01-24. Review status: criteria provided, single submitter. Criteria: Ambry Variant Classification Scheme 2023. Collection method: clinical testing. Allele origin: germline.

Revvity Omics, Revvity
Classification: Uncertain significance for Hemolytic anemia due to glucophosphate isomerase deficiency. Last evaluated: 2024-03-27. Review status: criteria provided, single submitter. Criteria: ACMG Guidelines, 2015. Collection method: clinical testing. Allele origin: germline.

PreventionGenetics, part of Exact Sciences
Classification: Uncertain significance for GPI-related condition. Last evaluated: 2022-11-10. Review status: criteria provided, single submitter. Criteria: ACMG Guidelines, 2015. Collection method: clinical testing. Allele origin: germline.
Comment: The GPI c.1397A>C variant is predicted to result in the amino acid substitution p.Lys466Thr. To our knowledge, this variant has not been reported in the literature. This variant is reported in 0.0018% of alleles in individuals of European (Non-Finnish) descent in gnomAD. At this time, the clinical significance of this variant is uncertain due to the absence of conclusive functional and genetic evidence.

NM_000175.5(GPI):c.1397A>C (p.Lys466Thr)

Gene: GPI (glucose-6-phosphate isomerase; plus strand). Cytogenetic location: 19q13.11.
Variant type: single nucleotide variant.
Coding change: c.1397A>C on transcript NM_000175.5 (MANE Select); coding-DNA position 1397, A replaced by C.
Protein change: p.Lys466Thr; replaces lysine 466 with threonine.
Molecular consequence: missense variant.
Genome position (GRCh38, 1-based): chr19:34,399,334, A>C. VCF-style: chr19-34399334-A-C. GRCh37 (hg19) VCF-style: chr19-34890239-A-C.
Other names: c.1397A>C (NM_000175.4); c.1430A>C, p.Lys477Thr (NM_001184722.1); c.1514A>C, p.Lys505Thr (NM_001289789.1); c.1313A>C, p.Lys438Thr (NM_001289790.3); c.1397A>C, p.Lys466Thr (NM_001329909.1, NM_001329910.1); c.1370A>C, p.Lys457Thr (NM_001329911.2); short protein forms K438T, K466T, K477T, K457T, K505T.
Identifiers: ClinVar variation 2384560 (VCV002384560.5), dbSNP rs146668588, ClinGen allele CA9367428.
Genomic context (GRCh38, chr19:34,399,334, plus strand): 5'-GAAAGGAGCTCCAGGCTGCGGGCAAGAGTCCAGAGGACCTTGAGAGGCTGCTGCCACATA[A>C]GGTCAGCACTTCTGCATTTGGCTTTGGGGTGCATGCTGGAGTTGGAGGTGTGAAGCTATG-3'
Protein context (NP_000166.2, residues 456-476): PEDLERLLPH[Lys466Thr]VFEGNRPTNS